The following is an entry in ClinVar:

ClinVar aggregate classification (germline): Uncertain significance (1 of 4 stars; one submission).

Conditions:
Inborn genetic diseases. Identifiers: MedGen C0950123, MeSH D030342.

gnomAD v4.1: 1 of 1,614,068 alleles (0.000062%); no homozygotes.

Submission:

Ambry Genetics
Classification: Uncertain significance for Inborn genetic diseases. Last evaluated: 2025-11-28. Review status: criteria provided, single submitter. Criteria: Ambry Variant Classification Scheme 2023. Collection method: clinical testing. Allele origin: germline.
Comment: The p.F583I variant (also known as c.1747T>A), located in coding exon 19 of the FANCA gene, results from a T to A substitution at nucleotide position 1747. The phenylalanine at codon 583 is replaced by isoleucine, an amino acid with highly similar properties. This amino acid position is conserved. In addition, this alteration is predicted to be deleterious by in silico analysis. Based on the available evidence, the clinical significance of this variant remains unclear.

NM_000135.4(FANCA):c.1747T>A (p.Phe583Ile)

Gene: FANCA (FA complementation group A; minus strand). Cytogenetic location: 16q24.3.
Variant type: single nucleotide variant.
Coding change: c.1747T>A on transcript NM_000135.4 (MANE Select); coding-DNA position 1747, T replaced by A.
Protein change: p.Phe583Ile; replaces phenylalanine 583 with isoleucine.
Molecular consequence: missense variant.
Genome position (GRCh38, 1-based): chr16:89,778,972, A>T on the plus strand (T>A on the coding strand, the complement: FANCA is on the minus strand). VCF-style: chr16-89778972-A-T. GRCh37 (hg19) VCF-style: chr16-89845380-A-T.
Other names: c.1747T>A, p.Phe583Ile (NM_001286167.3); short protein forms F583I.
Identifiers: ClinVar variation 4619295 (VCV004619295.1).
Genomic context (GRCh38, chr16:89,778,972, plus strand): 5'-TGGTCACAAACTCATGGAGACGCATACTGACCACTCGAGGTGTGAGCAGGGCGGGGAGGA[A>T]GTGGGACACGTAGTAAGGCCTCCTGAATATGCTGCAACACAGAGAAGCAGACAGTGCATC-3'
Protein context (NP_000126.2, residues 573-593): IFRRPYYVSH[Phe583Ile]LPALLTPRVL